The following is an entry in ClinVar:

NM_178857.6(RP1L1):c.4577C>T (p.Thr1526Met)

Gene: RP1L1 (RP1 like 1). Cytogenetic location: 8p23.1.
Variant type: single nucleotide variant.
Coding change: c.4577C>T on transcript NM_178857.6 (MANE Select); coding-DNA position 4577, C replaced by T.
Protein change: p.Thr1526Met; replaces threonine 1526 with methionine.
Molecular consequence: missense variant.
Genome position (GRCh38, 1-based): chr8:10,609,521, G>A on the plus strand (C>T on the coding strand, the complement: RP1L1 is on the minus strand). VCF-style: chr8-10609521-G-A. GRCh37 (hg19) VCF-style: chr8-10467031-G-A.
Other names: short protein forms T1526M.
Identifiers: ClinVar variation 77079 (VCV000077079.50), dbSNP rs267601688, ClinGen allele CA4623969.

ClinVar aggregate classification (germline): Conflicting classifications of pathogenicity. Review status: criteria provided, conflicting classifications (1 of 4 stars). 5 submissions from 5 submitters: Uncertain significance (1); Benign (1); Likely benign (2). 1 of the submissions does not count toward it. Last evaluated 2025-01-01.

Conditions:
Inborn genetic diseases. Identifiers: MedGen C0950123, MeSH D030342.
Occult macular dystrophy (OCMD). Also called: OMD; OCCULT MACULAR DYSTROPHY, SUSCEPTIBILITY TO. Identifiers: Orphanet 247834, MedGen C3150833, MONDO:0013316, OMIM 613587, HP:0030636.

Allele frequency attached by ClinVar (database versions not stated): gnomAD 0.00005 and 0.00008; TOPMed 0.00007; gnomAD exomes 0.00008 and 0.00014; ExAC 0.00022; ESP Exome Variant Server 0.00024; 1000 Genomes Project 0.00100; 1000 Genomes Project 30x 0.00109.
gnomAD v4.1: 131 of 1,608,426 alleles (0.0081%); highest among the groups gnomAD compares: South Asian, 0.092%; 1 homozygote.

Submissions (5):

Ambry Genetics
Classification: Likely benign for Inborn genetic diseases. Last evaluated: 2025-01-01. Review status: criteria provided, single submitter. Criteria: Ambry Variant Classification Scheme 2023. Collection method: clinical testing. Allele origin: germline.

Blueprint Genetics
Classification: Likely benign. Last evaluated: 2024-08-28. Review status: criteria provided, single submitter. Criteria: ACMG Guidelines, 2015. Collection method: clinical testing. Allele origin: germline.

Illumina Laboratory Services, Illumina
Classification: Benign for Occult macular dystrophy. Last evaluated: 2018-01-12. Review status: criteria provided, single submitter. Criteria: ICSL Variant Classification Criteria 13 December 2019. Collection method: clinical testing. Allele origin: germline.
Comment: This variant was observed in the ICSL laboratory as part of a predisposition screen in an ostensibly healthy population. It had not been previously curated by ICSL or reported in the Human Gene Mutation Database (HGMD: prior to June 1st, 2018), and was therefore a candidate for classification through an automated scoring system. Utilizing variant allele frequency, disease prevalence and penetrance estimates, and inheritance mode, an automated score was calculated to assess if this variant is too frequent to cause the disease. Based on the score and internal cut-off values, a variant classified as benign is not then subjected to further curation. The score for this variant resulted in a classification of benign for this disease.

CeGaT Center for Human Genetics Tuebingen
Classification: Uncertain significance. Last evaluated: 2017-02-01. Review status: criteria provided, single submitter. Criteria: CeGaT Center For Human Genetics Tuebingen Variant Classification Criteria Version 2. Collection method: clinical testing. Allele origin: germline. Affected: yes. Observed: 1 variant allele.

Department of Pathology and Laboratory Medicine, Sinai Health System
Classification: Uncertain significance. Review status: no assertion criteria provided. Collection method: clinical testing. Allele origin: unknown. Affected: yes. Study: The Canadian Open Genetics Repository (COGR). Not counted in ClinVar's aggregate classification.
Comment: The RP1L1 p.T1526M variant was not identified in the literature but was identified in dbSNP (ID: rs267601688) and ClinVar (classified as uncertain significance by CeGaT Praxis fuer Humangenetik Tuebingen; and as benign by Illumina).Â¬â€ The variant was identified in control databases in 33 of 244176 chromosomes at a frequency of 0.0001351, and was observed at the highest frequency in the South Asian population in 24 of 30440 chromosomes (freq: 0.0007884) (Genome Aggregation Database March 6, 2019, v2.1.1).Â¬â€ The p.T1526 residue is not conserved in mammals and other organismsÂ¬â€ and computational analyses (MUT Assesor, SIFT, MutationTaster, Revel, FATHMM, MetaLR, DANN) do not suggest a high likelihood of impact to the protein; however this information is not predictive enough to rule out pathogenicity.Â¬â€ The variant occurs outside of the splicing consensus sequence and in silico or computational prediction software programs (Splice AI exome) do not predict a difference in splicing.Â¬â€ In summary, based on the above information the clinical significance of this variant cannot be determined with certainty at this time. This variant is classified as a variant of uncertain significance.